The following is an entry in ClinVar:

NM_000179.3(MSH6):c.1687dup (p.Thr563fs)

Gene: MSH6 (mutS homolog 6; plus strand). Cytogenetic location: 2p16.3.
Variant type: Duplication.
Coding change: c.1687dup on transcript NM_000179.3 (MANE Select); coding-DNA position 1687, one base duplicated (A; older notation c.1687dupA).
Protein change: p.Thr563fs; shifts the reading frame from threonine 563.
Molecular consequence: frameshift variant.
Genome position (GRCh38, 1-based): chr2:47,799,670, A duplicated. VCF-style (leftmost placement, unchanged base first): chr2-47799669-T-TA. GRCh37 (hg19) VCF-style: chr2-48026808-T-TA.
Other names: c.1297dup, p.Thr433fs (NM_001281492.2); c.781dup, p.Thr261fs (NM_001281493.2, NM_001281494.2); short protein forms T261fs, T433fs, T563fs.
Identifiers: ClinVar variation 819819 (VCV000819819.5), dbSNP rs1572724019, ClinGen allele CA915943921.

ClinVar aggregate classification (germline): Pathogenic (1 of 4 stars; one submission).

Conditions:
Hereditary cancer-predisposing syndrome. Also called: Tumor predisposition; Neoplastic Syndromes, Hereditary; Hereditary Cancer Syndrome; Hereditary neoplastic syndrome. Identifiers: Orphanet 140162, MedGen C0027672, MeSH D009386, MONDO:0015356.

Submission:

Ambry Genetics
Classification: Pathogenic for Hereditary cancer-predisposing syndrome. Last evaluated: 2026-01-08. Review status: criteria provided, single submitter. Criteria: Ambry Variant Classification Scheme 2023. Collection method: clinical testing. Allele origin: germline.
Comment: The c.1687dupA pathogenic mutation, located in coding exon 4 of the MSH6 gene, results from a duplication of A at nucleotide position 1687, causing a translational frameshift with a predicted alternate stop codon (p.T563Nfs*14). This variant is considered to be rare based on population cohorts in the Genome Aggregation Database (gnomAD). This alteration is expected to result in loss of function by premature protein truncation or nonsense-mediated mRNA decay. As such, this alteration is interpreted as a disease-causing mutation.